The following is an entry in ClinVar:

ClinVar aggregate classification (germline): Pathogenic (1 of 4 stars; one submission).

Conditions:
Familial hemophagocytic lymphohistiocytosis 3 (FHL3). Also called: UNC13D-Related Familial Hemophagocytic Lymphohistiocytosis (UNC13D-fHLH). Identifiers: Orphanet 540, MedGen C1837174, MONDO:0012146, OMIM 608898.

Submission:

Labcorp Genetics (formerly Invitae), Labcorp
Classification: Pathogenic for Familial hemophagocytic lymphohistiocytosis 3. Last evaluated: 2023-11-19. Review status: criteria provided, single submitter. Criteria: Invitae Variant Classification Sherloc (09022015). Collection method: clinical testing. Allele origin: germline.
Comment: This sequence change creates a premature translational stop signal (p.Gln51*) in the UNC13D gene. It is expected to result in an absent or disrupted protein product. Loss-of-function variants in UNC13D are known to be pathogenic (PMID: 14622600). This variant is not present in population databases (gnomAD no frequency). This variant has not been reported in the literature in individuals affected with UNC13D-related conditions. Algorithms developed to predict the effect of sequence changes on RNA splicing suggest that this variant may disrupt the consensus splice site. For these reasons, this variant has been classified as Pathogenic.

Literature cited by the submitters: PubMed 14622600.

NM_199242.3(UNC13D):c.151C>T (p.Gln51Ter)

Gene: UNC13D (unc-13 homolog D; minus strand). Cytogenetic location: 17q25.1.
Variant type: single nucleotide variant.
Coding change: c.151C>T on transcript NM_199242.3 (MANE Select); coding-DNA position 151, C replaced by T.
Protein change: p.Gln51Ter; replaces glutamine 51 with a stop codon.
Molecular consequence: nonsense.
Genome position (GRCh38, 1-based): chr17:75,843,486, G>A on the plus strand (C>T on the coding strand, the complement: UNC13D is on the minus strand). VCF-style: chr17-75843486-G-A. GRCh37 (hg19) VCF-style: chr17-73839567-G-A.
Other names: short protein forms Q51*.
Identifiers: ClinVar variation 2695791 (VCV002695791.4), dbSNP rs2545988497, ClinGen allele CA401117994.
Genomic context (GRCh38, chr17:75,843,486, plus strand): 5'-CAGGAGGACACACAGCCGCCCTCCCCACCTCTCTGCACCCCAGCACTCTGACTCTTACCT[G>A]CTCGGGGGAGAAGTGGTGGGATGGAGGCTGGATCTGCAGAGCAAGGTGGAAAGGCAGTGT-3'